The following is an entry in ClinVar:

ClinVar aggregate classification (germline): Uncertain significance (1 of 4 stars; one submission).

Submission:

GeneDx
Classification: Uncertain significance. Last evaluated: 2022-09-20. Review status: criteria provided, single submitter. Criteria: GeneDx Variant Classification Process June 2021. Collection method: clinical testing. Allele origin: germline. Affected: yes.
Comment: Not observed at significant frequency in large population cohorts (gnomAD); In silico analysis supports that this missense variant does not alter protein structure/function; Has not been previously published as pathogenic or benign to our knowledge

NM_001378454.1(ALMS1):c.3740T>C (p.Ile1247Thr)

Gene: ALMS1 (ALMS1 centrosome and basal body associated protein; plus strand). Cytogenetic location: 2p13.1.
Variant type: single nucleotide variant.
Coding change: c.3740T>C on transcript NM_001378454.1 (MANE Select); coding-DNA position 3740, T replaced by C.
Protein change: p.Ile1247Thr; replaces isoleucine 1247 with threonine.
Molecular consequence: missense variant.
Genome position (GRCh38, 1-based): chr2:73,450,267, T>C. VCF-style: chr2-73450267-T-C. GRCh37 (hg19) VCF-style: chr2-73677394-T-C.
Other names: c.3743T>C, p.Ile1248Thr (NM_015120.4); short protein forms I1247T, I1248T.
Identifiers: ClinVar variation 2444639 (VCV002444639.1), dbSNP rs2466099240, ClinGen allele CA347276445.
Genomic context (GRCh38, chr2:73,450,267, plus strand): 5'-AGAAGACTGGGACACCAACTCCAACCTCTGCTTCTTACTCACACACAGAGAAGCCTGGTA[T>C]TTTCTACCAACAGGTCTTGCCAGATAATCATCCAACTGAAGAGGCTCTGAAAATTTCAGT-3'
Protein context (NP_001365383.1, residues 1237-1257): ASYSHTEKPG[Ile1247Thr]FYQQVLPDNH